The following is an entry in ClinVar:

ClinVar aggregate classification (germline): Uncertain significance (1 of 4 stars; one submission).

Conditions:
Creatine transporter deficiency (CCDS1). Also called: CEREBRAL CREATINE DEFICIENCY SYNDROME 1; Mental retardation , X-linked with seizures, short stature and midface hypoplasia; Mental retardation , X-linked, with creatine transport deficiency; X-linked creatine transporter deficiency; X-linked creatine deficiency syndrome; SLC6A8-Related Creatine Transporter Deficiency. Identifiers: Orphanet 52503, MedGen C1845862, MONDO:0010305, OMIM 300352.

Allele frequency attached by ClinVar (database versions not stated): gnomAD exomes below 0.00001; ExAC 0.00002.
gnomAD v4.1: 4 of 1,203,076 alleles (0.00033%); highest among the groups gnomAD compares: South Asian, 0.0018%; no homozygotes.

Submission:

Labcorp Genetics (formerly Invitae), Labcorp
Classification: Uncertain significance for Creatine transporter deficiency. Last evaluated: 2024-01-29. Review status: criteria provided, single submitter. Criteria: Invitae Variant Classification Sherloc (09022015). Collection method: clinical testing. Allele origin: germline.
Comment: This sequence change replaces leucine, which is neutral and non-polar, with valine, which is neutral and non-polar, at codon 580 of the SLC6A8 protein (p.Leu580Val). This variant is present in population databases (rs782317227, gnomAD 0.006%). This variant has not been reported in the literature in individuals affected with SLC6A8-related conditions. ClinVar contains an entry for this variant (Variation ID: 2185943). Advanced modeling of protein sequence and biophysical properties (such as structural, functional, and spatial information, amino acid conservation, physicochemical variation, residue mobility, and thermodynamic stability) performed at Invitae indicates that this missense variant is not expected to disrupt SLC6A8 protein function with a negative predictive value of 80%. In summary, the available evidence is currently insufficient to determine the role of this variant in disease. Therefore, it has been classified as a Variant of Uncertain Significance.

NM_005629.4(SLC6A8):c.1738C>G (p.Leu580Val)

Gene: SLC6A8 (solute carrier family 6 member 8; plus strand). Cytogenetic location: Xq28.
Variant type: single nucleotide variant.
Coding change: c.1738C>G on transcript NM_005629.4 (MANE Select); coding-DNA position 1738, C replaced by G.
Protein change: p.Leu580Val; replaces leucine 580 with valine.
Molecular consequence: missense variant.
Genome position (GRCh38, 1-based): chrX:153,694,860, C>G. VCF-style: chrX-153694860-C-G. GRCh37 (hg19) VCF-style: chrX-152960315-C-G.
Other names: c.1708C>G, p.Leu570Val (NM_001142805.2); c.1393C>G, p.Leu465Val (NM_001142806.1); short protein forms L465V, L570V, L580V.
Identifiers: ClinVar variation 2185943 (VCV002185943.4), dbSNP rs782317227, ClinGen allele CA10549628.
Genomic context (GRCh38, chrX:153,694,860, plus strand): 5'-ATGGGCTGGGCCTTCGCCCTGTCCTCCATGCTGTGCGTGCCGCTGCACCTCCTGGGCTGC[C>G]TCCTCAGGGCCAAGGGCACCATGGCTGAGGTAAGGCTCCCGCCCGGCCCGCCCTCCCCTC-3'
Protein context (NP_005620.1, residues 570-590): LCVPLHLLGC[Leu580Val]LRAKGTMAER